The following is an entry in ClinVar:

ClinVar aggregate classification (germline): Pathogenic (1 of 4 stars; one submission).

Conditions:
Exostoses, multiple, type 2 (EXT2). Also called: Hereditary Multiple Osteochondromatosis, Type II; EXOSTOSES, MULTIPLE, TYPE II. Identifiers: Orphanet 321, MedGen C1851413, MONDO:0007586, OMIM 133701.

Submission:

Labcorp Genetics (formerly Invitae), Labcorp
Classification: Pathogenic for Exostoses, multiple, type 2. Last evaluated: 2021-10-22. Review status: criteria provided, single submitter. Criteria: Invitae Variant Classification Sherloc (09022015). Collection method: clinical testing. Allele origin: germline.
Comment: This sequence change creates a premature translational stop signal (p.Tyr94*) in the EXT2 gene. It is expected to result in an absent or disrupted protein product. For these reasons, this variant has been classified as Pathogenic. Loss-of-function variants in EXT2 are known to be pathogenic (PMID: 10679937, 19810120). This variant has not been reported in the literature in individuals with EXT2-related conditions. This variant is not present in population databases (ExAC no frequency).

Literature cited by the submitters: PubMed 10679937; PubMed 19810120.

NM_207122.2(EXT2):c.282T>A (p.Tyr94Ter)

Gene: EXT2 (exostosin glycosyltransferase 2; plus strand). Cytogenetic location: 11p11.2.
Variant type: single nucleotide variant.
Coding change: c.282T>A on transcript NM_207122.2 (MANE Select); coding-DNA position 282, T replaced by A.
Protein change: p.Tyr94Ter; replaces tyrosine 94 with a stop codon.
Molecular consequence: nonsense.
Genome position (GRCh38, 1-based): chr11:44,107,994, T>A. VCF-style: chr11-44107994-T-A. GRCh37 (hg19) VCF-style: chr11-44129544-T-A.
Other names: c.381T>A, p.Tyr127Ter (NM_000401.3); c.282T>A, p.Tyr94Ter (NM_001178083.3); short protein forms Y127*, Y94*.
Identifiers: ClinVar variation 1069929 (VCV001069929.7), dbSNP rs2134967046, ClinGen allele CA380180011.